The following is an entry in ClinVar:

NM_001048174.2(MUTYH):c.1054C>T (p.Pro352Ser)

Gene: MUTYH (mutY DNA glycosylase; minus strand). Cytogenetic location: 1p34.1.
Variant type: single nucleotide variant.
Coding change: c.1054C>T on transcript NM_001048174.2 (MANE Select); coding-DNA position 1054, C replaced by T.
Protein change: p.Pro352Ser; replaces proline 352 with serine.
Molecular consequence: missense variant. On other transcripts: non-coding transcript variant (7).
Genome position (GRCh38, 1-based): chr1:45,331,709, G>A on the plus strand (C>T on the coding strand, the complement: MUTYH is on the minus strand). VCF-style: chr1-45331709-G-A. GRCh37 (hg19) VCF-style: chr1-45797381-G-A.
Other names: c.1054C>T, p.Pro352Ser (NM_001048171.2, NM_001048173.2, NM_001293195.2 and 6 more transcripts); c.1057C>T, p.Pro353Ser (NM_001048172.2, NM_001407086.1, NM_001407071.1 and 1 more transcripts); c.1138C>T, p.Pro380Ser (NM_001128425.2); c.1099C>T, p.Pro367Ser (NM_001293190.2); c.1087C>T, p.Pro363Ser (NM_001293191.2, NM_001407069.1, NM_001407077.1); c.778C>T, p.Pro260Ser (NM_001293192.2, NM_001293196.2, NM_001407091.1); c.1015C>T, p.Pro339Ser (NM_001407079.1); c.1012C>T, p.Pro338Ser (NM_001407080.1); and 5 more; short protein forms P237S, P260S, P324S, P338S, P339S, P352S, P353S, P359S.
Identifiers: ClinVar variation 3608296 (VCV003608296.4).

ClinVar aggregate classification (germline): Uncertain significance. Review status: criteria provided, multiple submitters, no conflicts (2 of 4 stars). 3 submissions from 3 submitters: Uncertain significance (3). Last evaluated 2025-08-27.

Conditions:
Hereditary cancer-predisposing syndrome. Also called: Neoplastic Syndromes, Hereditary; Tumor predisposition; Hereditary Cancer Syndrome; Hereditary neoplastic syndrome. Identifiers: Orphanet 140162, MedGen C0027672, MeSH D009386, MONDO:0015356.
Familial adenomatous polyposis 2. Also called: FAP type 2; COLORECTAL ADENOMATOUS POLYPOSIS, AUTOSOMAL RECESSIVE; ADENOMAS, MULTIPLE COLORECTAL, AUTOSOMAL RECESSIVE; MYH-associated polyposis; Adenomas, multiple colorectal; MUTYH-associated polyposis. Identifiers: Orphanet 220460, Orphanet 247798, MedGen C3272841, MONDO:0012041, OMIM 608456.

Submissions (3):

Ambry Genetics
Classification: Uncertain significance for Hereditary cancer-predisposing syndrome. Last evaluated: 2025-08-27. Review status: criteria provided, single submitter. Criteria: Ambry Variant Classification Scheme 2023. Collection method: clinical testing. Allele origin: germline.
Comment: The p.P380S variant (also known as c.1138C>T), located in coding exon 12 of the MUTYH gene, results from a C to T substitution at nucleotide position 1138. The proline at codon 380 is replaced by serine, an amino acid with similar properties. This amino acid position is conserved. In addition, this alteration is predicted to be tolerated by in silico analysis. Based on the available evidence, the clinical significance of this variant remains unclear.

Labcorp Genetics (formerly Invitae), Labcorp
Classification: Uncertain significance for Familial adenomatous polyposis 2. Last evaluated: 2024-03-24. Review status: criteria provided, single submitter. Criteria: Invitae Variant Classification Sherloc (09022015). Collection method: clinical testing. Allele origin: germline.
Comment: This sequence change replaces proline, which is neutral and non-polar, with serine, which is neutral and polar, at codon 380 of the MUTYH protein (p.Pro380Ser). This variant is not present in population databases (gnomAD no frequency). This variant has not been reported in the literature in individuals affected with MUTYH-related conditions. Algorithms developed to predict the effect of missense changes on protein structure and function output the following: SIFT: "Not Available"; PolyPhen-2: "Benign"; Align-GVGD: "Not Available". The serine amino acid residue is found in multiple mammalian species, which suggests that this missense change does not adversely affect protein function. In summary, the available evidence is currently insufficient to determine the role of this variant in disease. Therefore, it has been classified as a Variant of Uncertain Significance.

Color Diagnostics, LLC DBA Color Health
Classification: Uncertain significance for Hereditary cancer-predisposing syndrome. Last evaluated: 2024-01-08. Review status: criteria provided, single submitter. Criteria: ACMG Guidelines, 2015. Collection method: clinical testing. Allele origin: germline.
Comment: This missense variant replaces proline with serine at codon 380 of the MUTYH protein. Computational prediction suggests that this variant may not impact protein structure and function. To our knowledge, functional studies have not been reported for this variant. This variant has not been reported in individuals affected with MUTYH-related disorders in the literature. This variant has not been identified in the general population by the Genome Aggregation Database (gnomAD). The available evidence is insufficient to determine the role of this variant in disease conclusively. Therefore, this variant is classified as a Variant of Uncertain Significance.